The following is an entry in ClinVar:

ClinVar aggregate classification (germline): Pathogenic (1 of 4 stars; one submission).

Conditions:
Hereditary cancer-predisposing syndrome. Also called: Tumor predisposition; Neoplastic Syndromes, Hereditary; Hereditary neoplastic syndrome; Hereditary Cancer Syndrome. Identifiers: Orphanet 140162, MedGen C0027672, MeSH D009386, MONDO:0015356.

Submission:

Molecular Diagnostics Laboratory, Catalan Institute of Oncology
Classification: Pathogenic for Hereditary cancer-predisposing syndrome. Last evaluated: 2025-04-13. Review status: criteria provided, single submitter. Criteria: ClinGen ACMG Specifications ATM V1.1.0. Collection method: clinical testing. Allele origin: germline.
Comment: PVS1, PM2_supporting, PM5_supporting c.1577del, located in exon 10 of the ATM gene, consists in the deletion of 1 nucleotide, causing a translational frameshift with a predicted alternate stop codon (p.(Leu526Tyrfs*17)). This alteration is expected to result in loss of function by premature protein truncation and nonsense-mediated mRNA decay (PVS1, PM5_supporting). It is not present in the population database gnomAD v2.1.1, non cancer dataset (PM2_supporting). The SpliceAI algorithm predicts no significant impact on splicing. To our knowledge, neither relevant clinical data nor well-stablished functional studies have been reported for this variant. Also, it has not been reported neither in ClinVar nor in LOVD databases. Based on the currently available information, c.1577del is classified as a pathogenic variant according to ClinGen-ATM Guidelines version 1.1.

NM_000051.4(ATM):c.1577del (p.Leu526fs)

Gene: ATM (ATM serine/threonine kinase; plus strand). Cytogenetic location: 11q22.3.
Variant type: Deletion.
Coding change: c.1577del on transcript NM_000051.4 (MANE Select); coding-DNA position 1577, one base deleted (T; older notation c.1577delT).
Protein change: p.Leu526fs; shifts the reading frame from leucine 526.
Molecular consequence: frameshift variant.
Genome position (GRCh38, 1-based): chr11:108,251,042, T deleted; the last of 2 consecutive T bases (chr11:108,251,041-108,251,042); deleting either gives the same sequence. VCF-style (leftmost placement, unchanged base first): chr11-108251040-GT-G. GRCh37 (hg19) VCF-style: chr11-108121767-GT-G.
Other names: c.1577del, p.Leu526fs (NM_001351834.2); short protein forms L526fs.
Identifiers: ClinVar variation 4082321 (VCV004082321.1).